The following is an entry in ClinVar:

NC_000017.10:g.(?_41242955)_(41246883_?)del

Gene: BRCA1 (BRCA1 DNA repair associated; minus strand). Cytogenetic location: 17q21.31.
Variant type: Deletion.
Identifiers: ClinVar variation 2425746 (VCV002425746.2).

ClinVar aggregate classification (germline): Pathogenic (1 of 4 stars; one submission).

Conditions:
Hereditary breast ovarian cancer syndrome. Also called: Hereditary breast and ovarian cancer syndrome (HBOC); Breast and ovarian cancer; Hereditary breast and/or ovarian cancer syndrome; Hereditary breast and ovarian cancer; BRCA1- and BRCA2-Associated Hereditary Breast and Ovarian Cancer; Hereditary breast and ovarian cancer syndrome. Identifiers: Orphanet 145, MedGen C0677776, MeSH D061325, MONDO:0003582. Disease mechanism: loss of function.

Submission:

Labcorp Genetics (formerly Invitae), Labcorp
Classification: Pathogenic for Hereditary breast ovarian cancer syndrome. Last evaluated: 2017-11-16. Review status: criteria provided, single submitter. Criteria: Invitae Variant Classification Sherloc (09022015). Collection method: clinical testing. Allele origin: germline.
Comment: This variant is a gross deletion of the genomic region encompassing part of exon 10 and all of exon 11, including the exon 11-intron 11 boundary of the BRCA1 gene (c.1385_4186-2276del). This likely creates a premature translational stop signal and is expected to result in an absent or disrupted protein product. A similar deletion involving exons 10-11, which in the literature are also known as exons 11-12, has been reported in an individual with breast cancer (PMID: 18703817). ClinVar contains an entry for this variant (Variation ID: 429036). For these reasons, this variant has been classified as Pathogenic.

Literature cited by the submitters: PubMed 18703817.